The following is an entry in ClinVar:

ClinVar aggregate classification (germline): Likely pathogenic. Review status: criteria provided, single submitter (1 of 4 stars). 2 submissions from 2 submitters: Likely pathogenic (1). 1 of the submissions does not count toward it. Last evaluated 2024-09-19.

Conditions:
Fanconi anemia (FA). Also called: Fanconi's anemia. Identifiers: Orphanet 84, MedGen C0015625, MeSH D005199, MONDO:0019391.
Fanconi anemia complementation group A (FANCA). Also called: Fanconi anemia, group A; FANCA-Related Fanconi Anemia. Identifiers: Orphanet 84, MedGen C3469521, MONDO:0009215, OMIM 227650.

Submissions (2):

Natera, Inc.
Classification: Likely pathogenic for Fanconi anemia. Last evaluated: 2024-09-19. Review status: criteria provided, single submitter. Criteria: Natera Variant Classification Schema (03/2026). Collection method: clinical testing. Allele origin: germline.
Comment: The c.3141_3146del variant in FANCA is an in-frame deletion. This variant is rare in the general population with a frequency below the threshold expected for the associated phenotype(s). This variant has been observed in one or more individuals affected with the associated recessive disease, as either homozygous or compound heterozygous with a second variant (PMID: 29098742). This variant results in a change to the protein length while preserving reading frame, which may disrupt normal protein structure or function. Given the available evidence, this variant is classified as Likely Pathogenic.

Leiden Open Variation Database
Classification: Uncertain significance for Fanconi anemia complementation group A. Last evaluated: 2020-02-28. Review status: no assertion criteria provided. Collection method: curation. Allele origin: germline. Affected: yes. Not counted in ClinVar's aggregate classification.
Comment: Curator: Arleen D. Auerbach. Submitter to LOVD: Arleen D. Auerbach.

Literature cited by the submitters: PubMed 29098742 (cited by Natera, Inc.).

NM_000135.4(FANCA):c.3141_3146del (p.Leu1048_Phe1049del)

Gene: FANCA (FA complementation group A; minus strand). Cytogenetic location: 16q24.3.
Variant type: Deletion.
Coding change: c.3141_3146del on transcript NM_000135.4 (MANE Select); coding-DNA positions 3141 to 3146, 6 bases deleted (CCTCTT; older notation c.3141_3146delCCTCTT).
Protein change: p.Leu1048_Phe1049del.
Molecular consequence: inframe deletion.
Genome position (GRCh38, 1-based): chr16:89,749,823-89,749,828, AAGAGG deleted on the plus strand (CCTCTT on the coding strand, the reverse complement: FANCA is on the minus strand); deleting any 6 consecutive bases within chr16:89,749,823-89,749,831 gives the same sequence; the c. name uses the placement nearest the transcript's 3' end. VCF-style (leftmost placement, unchanged base first): chr16-89749822-AAAGAGG-A. GRCh37 (hg19) VCF-style: chr16-89816230-AAAGAGG-A.
Other names: c.3141_3146del, p.Leu1048_Phe1049del (NM_001286167.3); c.3141_3146del (NM_000135.3).
Identifiers: ClinVar variation 974255 (VCV000974255.2), dbSNP rs2038519209, ClinGen allele CA1139665036.
Genomic context (GRCh38, chr16:89,749,822, plus strand): 5'-AAGGCTGGCAGCCACGCTCCACCCGCTTGTCAGAGCCTGGAGCCGTCTGCGGAAAATCTC[AAAGAGG>A]AAGTGCTCCTGGGAAGGGGTGTGGCCGAGAGGCACTATGAGGTCTTGCTGCAGCTCCAGG-3'